The following is an entry in ClinVar:

NM_133444.3(ZNF526):c.281T>C (p.Val94Ala)

Gene: ZNF526 (zinc finger protein 526; plus strand). Cytogenetic location: 19q13.2.
Variant type: single nucleotide variant.
Coding change: c.281T>C on transcript NM_133444.3 (MANE Select); coding-DNA position 281, T replaced by C.
Protein change: p.Val94Ala; replaces valine 94 with alanine.
Molecular consequence: missense variant.
Genome position (GRCh38, 1-based): chr19:42,224,684, T>C. VCF-style: chr19-42224684-T-C. GRCh37 (hg19) VCF-style: chr19-42728836-T-C.
Other names: c.281T>C, p.Val94Ala (NM_001314033.3); c.281T>C (NM_133444.2); short protein forms V94A.
Identifiers: ClinVar variation 130837 (VCV000130837.9), dbSNP rs3810151, ClinGen allele CA156147.

ClinVar aggregate classification (germline): Benign. Review status: criteria provided, single submitter (1 of 4 stars). 3 submissions from 3 submitters: Benign (1). 2 of the submissions do not count toward it.

Conditions:
ZNF526-related disorder. Also called: ZNF526-related condition.

Allele frequency attached by ClinVar (database versions not stated): ESP Exome Variant Server 0.07251; gnomAD 0.07452 and 0.07867; TOPMed 0.08130; 1000 Genomes Project 30x 0.08651; 1000 Genomes Project 0.08746; gnomAD exomes 0.10261 and 0.10879; ExAC 0.10938.

Submissions (3):

Breakthrough Genomics
Classification: Benign. Review status: criteria provided, single submitter. Criteria: ACMG Guidelines, 2015. Collection method: not provided. Allele origin: germline. Inheritance: Autosomal recessive inheritance. Affected: yes.

PreventionGenetics, part of Exact Sciences
Classification: Benign for ZNF526-related condition. Last evaluated: 2019-10-21. Review status: no assertion criteria provided. Collection method: clinical testing. Allele origin: germline. Not counted in ClinVar's aggregate classification.
Comment: This variant is classified as benign based on ACMG/AMP sequence variant interpretation guidelines (Richards et al. 2015 PMID: 25741868, with internal and published modifications).

Genetic Services Laboratory, University of Chicago
Classification: Likely benign for AllHighlyPenetrant. Review status: no assertion criteria provided. Collection method: clinical testing. Allele origin: germline. Inheritance: Autosomal recessive inheritance. Not counted in ClinVar's aggregate classification.
Comment: Likely benign based on allele frequency in 1000 Genomes Project or ESP global frequency and its presence in a patient with a rare or unrelated disease phenotype. NOT Sanger confirmed.